The following is an entry in ClinVar:

NM_021020.5(LZTS1):c.1609_1611del (p.Glu537del)

Gene: LZTS1 (leucine zipper tumor suppressor 1; minus strand). Cytogenetic location: 8p21.3.
Variant type: Deletion.
Coding change: c.1609_1611del on transcript NM_021020.5 (MANE Select); coding-DNA positions 1609 to 1611, 3 bases deleted (GAG; older notation c.1609_1611delGAG).
Protein change: p.Glu537del; deletes glutamic acid 537.
Molecular consequence: inframe deletion.
Genome position (GRCh38, 1-based): chr8:20,249,902-20,249,904, CTC deleted on the plus strand (GAG on the coding strand, the reverse complement: LZTS1 is on the minus strand); deleting any 3 consecutive bases within chr8:20,249,902-20,249,906 gives the same sequence; the c. name uses the placement nearest the transcript's 3' end. VCF-style (leftmost placement, unchanged base first): chr8-20249901-TCTC-T. GRCh37 (hg19) VCF-style: chr8-20107412-TCTC-T.
Other names: c.1609_1611del, p.Glu537del (NM_001362884.2); short protein forms E537del.
Identifiers: ClinVar variation 2794474 (VCV002794474.3), dbSNP rs1799839910, ClinGen allele CA1111581165.

ClinVar aggregate classification (germline): Uncertain significance (1 of 4 stars; one submission).

Submission:

Labcorp Genetics (formerly Invitae), Labcorp
Classification: Uncertain significance. Last evaluated: 2024-01-09. Review status: criteria provided, single submitter. Criteria: Invitae Variant Classification Sherloc (09022015). Collection method: clinical testing. Allele origin: germline.
Comment: This variant, c.1609_1611del, results in the deletion of 1 amino acid(s) of the LZTS1 protein (p.Glu537del), but otherwise preserves the integrity of the reading frame. This variant is not present in population databases (gnomAD no frequency). This variant has not been reported in the literature in individuals affected with LZTS1-related conditions. Experimental studies and prediction algorithms are not available or were not evaluated, and the functional significance of this variant is currently unknown. In summary, the available evidence is currently insufficient to determine the role of this variant in disease. Therefore, it has been classified as a Variant of Uncertain Significance.